The following is an entry in ClinVar:

NM_020806.5(GPHN):c.1007-3T>C

Gene: GPHN (gephyrin; plus strand). Cytogenetic location: 14q23.3.
Variant type: single nucleotide variant.
Coding change: c.1007-3T>C on transcript NM_020806.5 (MANE Select); 3 bases into the intron before coding-DNA position 1007, T replaced by C.
Molecular consequence: intron variant.
Genome position (GRCh38, 1-based): chr14:67,058,646, T>C. VCF-style: chr14-67058646-T-C. GRCh37 (hg19) VCF-style: chr14-67525363-T-C.
Other names: c.1067-3T>C (NM_001377514.1); c.947-3T>C (NM_001377519.1); c.1037-3T>C (NM_001377515.1); c.1028-3T>C (NM_001377516.1); c.965-3T>C (NM_001377518.1); c.980-3T>C (NM_001377517.1); c.908-3T>C (NM_001024218.2).
Identifiers: ClinVar variation 2842275 (VCV002842275.3), dbSNP rs2542612376, ClinGen allele CA2575555457.

ClinVar aggregate classification (germline): Uncertain significance (1 of 4 stars; one submission).

Conditions:
Sulfite oxidase deficiency due to molybdenum cofactor deficiency type C. Also called: Molybdenum cofactor deficiency, complementation group C; Molybdenum cofactor deficiency C. Identifiers: Orphanet 308400, Orphanet 833, MedGen C1854990, MONDO:0014212, OMIM 615501.

Submission:

Labcorp Genetics (formerly Invitae), Labcorp
Classification: Uncertain significance for Sulfite oxidase deficiency due to molybdenum cofactor deficiency type C. Last evaluated: 2023-04-12. Review status: criteria provided, single submitter. Criteria: Invitae Variant Classification Sherloc (09022015). Collection method: clinical testing. Allele origin: germline.
Comment: This sequence change falls in intron 10 of the GPHN gene. It does not directly change the encoded amino acid sequence of the GPHN protein. It affects a nucleotide within the consensus splice site. This variant is not present in population databases (gnomAD no frequency). This variant has not been reported in the literature in individuals affected with GPHN-related conditions. Variants that disrupt the consensus splice site are a relatively common cause of aberrant splicing (PMID: 17576681, 9536098). Algorithms developed to predict the effect of sequence changes on RNA splicing suggest that this variant is not likely to affect RNA splicing. In summary, the available evidence is currently insufficient to determine the role of this variant in disease. Therefore, it has been classified as a Variant of Uncertain Significance.

Literature cited by the submitters: PubMed 17576681; PubMed 9536098.